The following is an entry in ClinVar:

ClinVar aggregate classification (germline): Pathogenic/Likely pathogenic. Review status: criteria provided, multiple submitters, no conflicts (2 of 4 stars). 2 submissions from 2 submitters: Pathogenic (1); Likely pathogenic (1). Last evaluated 2025-05-28.

Conditions:
Cardiovascular phenotype. Identifiers: MedGen CN230736.
Hypertrophic cardiomyopathy. Also called: HYPERTROPHIC MYOCARDIOPATHY. Identifiers: Orphanet 217569, MedGen C0007194, MeSH D002312, MONDO:0005045, HP:0001639.

Submissions (2):

Labcorp Genetics (formerly Invitae), Labcorp
Classification: Likely pathogenic for Hypertrophic cardiomyopathy. Last evaluated: 2025-05-28. Review status: criteria provided, single submitter. Criteria: Invitae Variant Classification Sherloc (09022015). Collection method: clinical testing. Allele origin: germline.
Comment: This sequence change affects an acceptor splice site in intron 31 of the MYBPC3 gene. It is expected to disrupt RNA splicing. Variants that disrupt the donor or acceptor splice site typically lead to a loss of protein function (PMID: 16199547), and loss-of-function variants in MYBPC3 are known to be pathogenic (PMID: 19574547). This variant is not present in population databases (gnomAD no frequency). Disruption of this splice site has been observed in individual(s) with hypertrophic cardiomyopathy (PMID: 23283745). ClinVar contains an entry for this variant (Variation ID: 1731937). Algorithms developed to predict the effect of sequence changes on RNA splicing suggest that this variant may disrupt the consensus splice site. In summary, the currently available evidence indicates that the variant is pathogenic, but additional data are needed to prove that conclusively. Therefore, this variant has been classified as Likely Pathogenic.

Ambry Genetics
Classification: Pathogenic for Cardiovascular phenotype. Last evaluated: 2019-02-15. Review status: criteria provided, single submitter. Criteria: Ambry Variant Classification Scheme 2023. Collection method: clinical testing. Allele origin: germline.
Comment: The c.3491-1G>A intronic pathogenic mutation results from a G to A substitution one nucleotide upstream from coding exon 32 of the MYBPC3 gene. This mutation was reported in an individual with hypertrophic cardiomyopathy (HCM) (Zou Y et al. Mol. Biol. Rep., 2013 Jun;40:3969-76). In addition to the clinical data presented in the literature, alterations that disrupt the canonical splice site are expected to cause aberrant splicing, resulting in an abnormal protein or a transcript that is subject to nonsense-mediated mRNA decay. As such, this alteration is classified as a disease-causing mutation.

Literature cited by the submitters: PubMed 16199547 (cited by Labcorp Genetics (formerly Invitae), Labcorp); PubMed 19574547 (cited by Labcorp Genetics (formerly Invitae), Labcorp); PubMed 23283745 (cited by Labcorp Genetics (formerly Invitae), Labcorp and Ambry Genetics).

NM_000256.3(MYBPC3):c.3491-1G>A

Gene: MYBPC3 (myosin binding protein C3; minus strand). Cytogenetic location: 11p11.2.
Variant type: single nucleotide variant.
Coding change: c.3491-1G>A on transcript NM_000256.3 (MANE Select); the canonical splice acceptor site of the intron before coding-DNA position 3491, G replaced by A.
Molecular consequence: splice acceptor variant.
Genome position (GRCh38, 1-based): chr11:47,332,703, C>T on the plus strand (G>A on the coding strand, the complement: MYBPC3 is on the minus strand). VCF-style: chr11-47332703-C-T. GRCh37 (hg19) VCF-style: chr11-47354254-C-T.
Identifiers: ClinVar variation 1731937 (VCV001731937.3), dbSNP rs2495738246, ClinGen allele CA380312948.
Genomic context (GRCh38, chr11:47,332,703, plus strand): 5'-TGAAGCTTGGGGCCTCGGAGAAGTCCAGGGCCTTATAGTTGGGTGGCTCATAGGTGATGC[C>T]TGTTGGTGACAGGACTTGGTACCGAGAGGGCCACACAAAGCTAGGCCCCTCTCCCTGTTC-3'